The following is an entry in ClinVar:

ClinVar aggregate classification (germline): Benign. Review status: criteria provided, multiple submitters, no conflicts (2 of 4 stars). 7 submissions from 7 submitters: Benign (7). Last evaluated 2026-02-04.

Conditions:
Cone dystrophy 3 (COD3). Also called: RETINAL CONE DYSTROPHY. Identifiers: Orphanet 1872, MedGen C1865869, MONDO:0011193, OMIM 602093.
Retinal cone dystrophy 4 (RCD4). Identifiers: Orphanet 1872, MedGen C1864849, MONDO:0012507, OMIM 610478.

Allele frequency attached by ClinVar (database versions not stated): ESP Exome Variant Server 0.91647; gnomAD 0.91686 and 0.91716; TOPMed 0.91893; 1000 Genomes Project 0.93710; 1000 Genomes Project 30x 0.93754.
gnomAD v4.1: 1,445,043 of 1,612,314 alleles (90%); highest among the groups gnomAD compares: East Asian, 100%; 648,295 homozygotes.

Submissions (7):

Labcorp Genetics (formerly Invitae), Labcorp
Classification: Benign. Last evaluated: 2026-02-04. Review status: criteria provided, single submitter. Criteria: Invitae Variant Classification Sherloc (09022015). Collection method: clinical testing. Allele origin: germline.

Blueprint Genetics
Classification: Benign. Last evaluated: 2024-11-27. Review status: criteria provided, single submitter. Criteria: ACMG Guidelines, 2015. Collection method: clinical testing. Allele origin: germline.

Genome-Nilou Lab
Classification: Benign for Retinal cone dystrophy 4. Last evaluated: 2021-07-14. Review status: criteria provided, single submitter. Criteria: ACMG Guidelines, 2015. Collection method: clinical testing. Allele origin: germline. Affected: no.

Mendelics
Classification: Benign for Cone dystrophy 3. Last evaluated: 2019-05-28. Review status: criteria provided, single submitter. Criteria: Mendelics Assertion Criteria 2017. Collection method: clinical testing. Allele origin: unknown.

Illumina Laboratory Services, Illumina
Classification: Benign for Retinal cone dystrophy 4. Last evaluated: 2018-01-13. Review status: criteria provided, single submitter. Criteria: ICSL Variant Classification Criteria 13 December 2019. Collection method: clinical testing. Allele origin: germline.
Comment: This variant was observed in the ICSL laboratory as part of a predisposition screen in an ostensibly healthy population. It had not been previously curated by ICSL or reported in the Human Gene Mutation Database (HGMD: prior to June 1st, 2018), and was therefore a candidate for classification through an automated scoring system. Utilizing variant allele frequency, disease prevalence and penetrance estimates, and inheritance mode, an automated score was calculated to assess if this variant is too frequent to cause the disease. Based on the score and internal cut-off values, a variant classified as benign is not then subjected to further curation. The score for this variant resulted in a classification of benign for this disease.

Breakthrough Genomics
Classification: Benign. Review status: criteria provided, single submitter. Criteria: ACMG Guidelines, 2015. Collection method: not provided. Allele origin: germline. Inheritance: Autosomal recessive inheritance. Affected: yes.

PreventionGenetics, part of Exact Sciences
Classification: Benign. Review status: criteria provided, single submitter. Criteria: ACMG Guidelines, 2015. Collection method: clinical testing. Allele origin: germline.

NM_172364.5(CACNA2D4):c.979A>G (p.Ile327Val)

Gene: CACNA2D4 (calcium voltage-gated channel auxiliary subunit alpha2delta 4; minus strand). Cytogenetic location: 12p13.33.
Variant type: single nucleotide variant.
Coding change: c.979A>G on transcript NM_172364.5 (MANE Select); coding-DNA position 979, A replaced by G.
Protein change: p.Ile327Val; replaces isoleucine 327 with valine.
Molecular consequence: missense variant.
Genome position (GRCh38, 1-based): chr12:1,886,237, T>C on the plus strand (A>G on the coding strand, the complement: CACNA2D4 is on the minus strand). VCF-style: chr12-1886237-T-C. GRCh37 (hg19) VCF-style: chr12-1995403-T-C.
Other names: short protein forms I327V.
Identifiers: ClinVar variation 262820 (VCV000262820.20), dbSNP rs10735005, ClinGen allele CA6387342.